The following is an entry in ClinVar:

ClinVar aggregate classification (germline): Uncertain significance (1 of 4 stars; one submission).

gnomAD v4.1: 17 of 1,614,020 alleles (0.0011%); highest among the groups gnomAD compares: Admixed American, 0.0017%; no homozygotes.

Submission:

Dasa
Classification: Uncertain significance. Last evaluated: 2025-11-05. Review status: criteria provided, single submitter. Criteria: DASA Assertion Criteria. Collection method: clinical testing. Allele origin: germline.
Comment: NM_005529.7(HSPG2):c.11185G>C (p.Val3729Leu) is a missense variant that results in the substitution of valine with leucine. This variant is rare in population databases. The currently available literature and clinical evidence are not sufficient to establish a definitive association between this variant and the reported condition. Therefore, this variant is classified as a variant of uncertain significance.

NM_005529.7(HSPG2):c.11185G>C (p.Val3729Leu)

Gene: HSPG2 (heparan sulfate proteoglycan 2; minus strand). Cytogenetic location: 1p36.12.
Variant type: single nucleotide variant.
Coding change: c.11185G>C on transcript NM_005529.7 (MANE Select); coding-DNA position 11185, G replaced by C.
Protein change: p.Val3729Leu; replaces valine 3729 with leucine.
Molecular consequence: missense variant.
Genome position (GRCh38, 1-based): chr1:21,832,517, C>G on the plus strand (G>C on the coding strand, the complement: HSPG2 is on the minus strand). VCF-style: chr1-21832517-C-G. GRCh37 (hg19) VCF-style: chr1-22159010-C-G.
Other names: c.11188G>C, p.Val3730Leu (NM_001291860.2); short protein forms V3729L, V3730L.
Identifiers: ClinVar variation 4881711 (VCV004881711.2).